The following is an entry in ClinVar:

ClinVar aggregate classification (germline): Uncertain significance (1 of 4 stars; one submission).

gnomAD v4.1: 7 of 1,595,856 alleles (0.00044%); highest among the groups gnomAD compares: Non-Finnish European, 0.0006%; no homozygotes.

Submission:

GeneDx
Classification: Uncertain significance. Last evaluated: 2023-08-20. Review status: criteria provided, single submitter. Criteria: GeneDx Variant Classification Process June 2021. Collection method: clinical testing. Allele origin: germline. Affected: yes.
Comment: Not observed at significant frequency in large population cohorts (gnomAD); In silico analysis supports that this missense variant has a deleterious effect on protein structure/function; Has not been previously published as pathogenic or benign to our knowledge

NM_001145809.2(MYH14):c.5962C>A (p.Arg1988Ser)

Gene: MYH14 (myosin heavy chain 14; plus strand). Cytogenetic location: 19q13.33.
Variant type: single nucleotide variant.
Coding change: c.5962C>A on transcript NM_001145809.2 (MANE Select); coding-DNA position 5962, C replaced by A.
Protein change: p.Arg1988Ser; replaces arginine 1988 with serine.
Molecular consequence: missense variant.
Genome position (GRCh38, 1-based): chr19:50,309,641, C>A. VCF-style: chr19-50309641-C-A. GRCh37 (hg19) VCF-style: chr19-50812898-C-A.
Other names: c.5863C>A, p.Arg1955Ser (NM_001077186.2); c.5839C>A, p.Arg1947Ser (NM_024729.4); short protein forms R1947S, R1955S, R1988S.
Identifiers: ClinVar variation 3340789 (VCV003340789.1).
Genomic context (GRCh38, chr19:50,309,641, plus strand): 5'-TTCTCCTCCCCTCCCCTCCCCTCATTTCATCTCTGTATCCTGGTCTCTCCTCCCCACAGA[C>A]GCGGCCCCCTCACCTTCACCACCCGCACGGTGCGCCAGGTCTTCCGACTAGAGGAGGGCG-3'
Protein context (NP_001139281.1, residues 1978-1998): EVTTLRNRLR[Arg1988Ser]GPLTFTTRTV